The following is an entry in ClinVar:

ClinVar aggregate classification (germline): Conflicting classifications of pathogenicity. Review status: criteria provided, conflicting classifications (1 of 4 stars). 3 submissions from 3 submitters: Uncertain significance (1); Likely benign (1). 1 of the submissions does not count toward it. Last evaluated 2026-04-24.

Conditions:
Inborn genetic diseases. Identifiers: MedGen C0950123, MeSH D030342.

Allele frequency attached by ClinVar (database versions not stated): gnomAD 0.00001.

Submissions (3):

Ambry Genetics
Classification: Likely benign for Inborn genetic diseases. Last evaluated: 2026-04-24. Review status: criteria provided, single submitter. Criteria: Ambry Variant Classification Scheme 2023. Collection method: clinical testing. Allele origin: germline.

Labcorp Genetics (formerly Invitae), Labcorp
Classification: Uncertain significance. Last evaluated: 2024-07-22. Review status: criteria provided, single submitter. Criteria: Invitae Variant Classification Sherloc (09022015). Collection method: clinical testing. Allele origin: germline.
Comment: This sequence change replaces alanine, which is neutral and non-polar, with valine, which is neutral and non-polar, at codon 228 of the ASXL1 protein (p.Ala228Val). This variant is not present in population databases (gnomAD no frequency). This variant has not been reported in the literature in individuals affected with ASXL1-related conditions. ClinVar contains an entry for this variant (Variation ID: 133600). An algorithm developed to predict the effect of missense changes on protein structure and function (PolyPhen-2) suggests that this variant is likely to be disruptive. In summary, the available evidence is currently insufficient to determine the role of this variant in disease. Therefore, it has been classified as a Variant of Uncertain Significance.

ITMI
No classification provided. Condition: AllHighlyPenetrant. Last evaluated: 2013-09-19. Review status: no classification provided. Collection method: reference population. Allele origin: germline. Not counted in ClinVar's aggregate classification.
Comment: Please see associated publication for description of ethnicities

Literature cited by the submitters: PubMed 24728327 (cited by ITMI).

NM_015338.6(ASXL1):c.683C>T (p.Ala228Val)

Gene: ASXL1 (ASXL transcriptional regulator 1; plus strand). Cytogenetic location: 20q11.21.
Variant type: single nucleotide variant.
Coding change: c.683C>T on transcript NM_015338.6 (MANE Select); coding-DNA position 683, C replaced by T.
Protein change: p.Ala228Val; replaces alanine 228 with valine.
Molecular consequence: missense variant. On other transcripts: intron variant (1).
Genome position (GRCh38, 1-based): chr20:32,430,018, C>T. VCF-style: chr20-32430018-C-T. GRCh37 (hg19) VCF-style: chr20-31017821-C-T.
Other names: c.683C>T (NM_015338.5); c.535+587C>T (NM_001363734.1); short protein forms A228V.
Identifiers: ClinVar variation 133600 (VCV000133600.5), dbSNP rs587778063, ClinGen allele CA157053.